The following is an entry in ClinVar:

NM_000130.5(F5):c.1649T>C (p.Val550Ala)

Gene: F5 (coagulation factor V; minus strand). Cytogenetic location: 1q24.2.
Variant type: single nucleotide variant.
Coding change: c.1649T>C on transcript NM_000130.5 (MANE Select); coding-DNA position 1649, T replaced by C.
Protein change: p.Val550Ala; replaces valine 550 with alanine.
Molecular consequence: missense variant.
Genome position (GRCh38, 1-based): chr1:169,546,555, A>G on the plus strand (T>C on the coding strand, the complement: F5 is on the minus strand). VCF-style: chr1-169546555-A-G. GRCh37 (hg19) VCF-style: chr1-169515793-A-G.
Other names: short protein forms V550A.
Identifiers: ClinVar variation 3276989 (VCV003276989.3).

ClinVar aggregate classification (germline): Uncertain significance. Review status: criteria provided, multiple submitters, no conflicts (2 of 4 stars). 2 submissions from 2 submitters: Uncertain significance (2). Last evaluated 2025-10-02.

Conditions:
Inborn genetic diseases. Identifiers: MedGen C0950123, MeSH D030342.
Congenital factor V deficiency. Also called: LABILE FACTOR DEFICIENCY; OWREN PARAHEMOPHILIA; PARAHEMOPHILIA; Hereditary factor V deficiency disease. Identifiers: Orphanet 326, MedGen C0015499, MONDO:0009210, OMIM 227400.

gnomAD v4.1: 8 of 1,614,058 alleles (0.0005%); highest among the groups gnomAD compares: Non-Finnish European, 0.00068%; no homozygotes.

Submissions (2):

Labcorp Genetics (formerly Invitae), Labcorp
Classification: Uncertain significance for Congenital factor V deficiency. Last evaluated: 2025-10-02. Review status: criteria provided, single submitter. Criteria: Invitae Variant Classification Sherloc (09022015). Collection method: clinical testing. Allele origin: germline.
Comment: This sequence change replaces valine, which is neutral and non-polar, with alanine, which is neutral and non-polar, at codon 550 of the F5 protein (p.Val550Ala). This variant is present in population databases (rs746444205, gnomAD 0.004%). This variant has not been reported in the literature in individuals affected with F5-related conditions. ClinVar contains an entry for this variant (Variation ID: 3276989). Invitae Evidence Modeling of protein sequence and biophysical properties (such as structural, functional, and spatial information, amino acid conservation, physicochemical variation, residue mobility, and thermodynamic stability) indicates that this missense variant is expected to disrupt F5 protein function with a positive predictive value of 80%. In summary, the available evidence is currently insufficient to determine the role of this variant in disease. Therefore, it has been classified as a Variant of Uncertain Significance.

Ambry Genetics
Classification: Uncertain significance for Inborn genetic diseases. Last evaluated: 2024-04-17. Review status: criteria provided, single submitter. Criteria: Ambry Variant Classification Scheme 2023. Collection method: clinical testing. Allele origin: germline.